The following is an entry in ClinVar:

NM_000538.4(RFXAP):c.722G>A (p.Ser241Asn)

Gene: RFXAP (regulatory factor X associated protein; plus strand). Cytogenetic location: 13q13.3.
Variant type: single nucleotide variant.
Coding change: c.722G>A on transcript NM_000538.4 (MANE Select); coding-DNA position 722, G replaced by A.
Protein change: p.Ser241Asn; replaces serine 241 with asparagine.
Molecular consequence: missense variant.
Genome position (GRCh38, 1-based): chr13:36,827,656, G>A. VCF-style: chr13-36827656-G-A. GRCh37 (hg19) VCF-style: chr13-37401793-G-A.
Other names: short protein forms S241N.
Identifiers: ClinVar variation 2066644 (VCV002066644.4), dbSNP rs1209441930, ClinGen allele CA387858266.

ClinVar aggregate classification (germline): Uncertain significance (1 of 4 stars; one submission).

Conditions:
MHC class II deficiency. Also called: Bare lymphocyte syndrome 2; BLS, TYPE II. Identifiers: Orphanet 572, MedGen C5447452, MONDO:0008855.

Submission:

Labcorp Genetics (formerly Invitae), Labcorp
Classification: Uncertain significance for MHC class II deficiency. Last evaluated: 2021-12-31. Review status: criteria provided, single submitter. Criteria: Invitae Variant Classification Sherloc (09022015). Collection method: clinical testing. Allele origin: germline.
Comment: This variant is not present in population databases (gnomAD no frequency). In summary, the available evidence is currently insufficient to determine the role of this variant in disease. Therefore, it has been classified as a Variant of Uncertain Significance. Algorithms developed to predict the effect of missense changes on protein structure and function (SIFT, PolyPhen-2, Align-GVGD) all suggest that this variant is likely to be disruptive. This variant has not been reported in the literature in individuals affected with RFXAP-related conditions. This sequence change replaces serine, which is neutral and polar, with asparagine, which is neutral and polar, at codon 241 of the RFXAP protein (p.Ser241Asn).